The following is an entry in ClinVar:

ClinVar aggregate classification (germline): Benign. Review status: criteria provided, multiple submitters, no conflicts (2 of 4 stars). 8 submissions from 8 submitters: Benign (8). Last evaluated 2026-02-01.

Conditions:
Charcot-Marie-Tooth disease. Also called: Charcot-Marie-Tooth Hereditary Neuropathy; Charcot-Marie-Tooth Neuropathy. Identifiers: Orphanet 166, MedGen C0007959, MONDO:0015626.
Charcot-Marie-Tooth disease type 4. Also called: Charcot-Marie-Tooth disease, type IV; Charcot-Marie-Tooth, Type 4. Identifiers: Orphanet 64749, MedGen C4082197, MONDO:0018995.
Charcot-Marie-Tooth disease type 4D. Also called: NEUROPATHY, HEREDITARY MOTOR AND SENSORY, LOM TYPE; CHARCOT-MARIE-TOOTH DISEASE, DEMYELINATING, AUTOSOMAL RECESSIVE, TYPE 4D; Charcot-Marie-Tooth Neuropathy Type 4D; CHARCOT-MARIE-TOOTH DISEASE, DEMYELINATING, TYPE 4D. Identifiers: Orphanet 99950, MedGen C1832334, MONDO:0011085, OMIM 601455.

Allele frequency attached by ClinVar (database versions not stated): gnomAD exomes 0.00140 and 0.00338; ExAC 0.00409; gnomAD 0.01210 and 0.01290; TOPMed 0.01361; ESP Exome Variant Server 0.01453; 1000 Genomes Project 0.01637; 1000 Genomes Project 30x 0.01655.

Submissions (26):

Labcorp Genetics (formerly Invitae), Labcorp
Classification: Benign for Charcot-Marie-Tooth disease type 4. Last evaluated: 2026-02-01. Review status: criteria provided, single submitter. Criteria: Invitae Variant Classification Sherloc (09022015). Collection method: clinical testing. Allele origin: germline.

Mayo Clinic Laboratories, Mayo Clinic
Classification: Benign. Last evaluated: 2023-04-06. Review status: criteria provided, single submitter. Criteria: ACMG Guidelines, 2015. Collection method: clinical testing. Allele origin: germline. Observed: 10 variant alleles.

ARUP Laboratories, Molecular Genetics and Genomics, ARUP Laboratories
Classification: Benign for Charcot-Marie-Tooth disease type 4D. Last evaluated: 2019-11-23. Review status: criteria provided, single submitter. Criteria: ARUP Molecular Germline Variant Investigation Process. Collection method: clinical testing. Allele origin: germline.

Illumina Laboratory Services, Illumina
Classification: Benign for Charcot-Marie-Tooth disease type 4D. Last evaluated: 2018-01-12. Review status: criteria provided, single submitter. Criteria: ICSL Variant Classification Criteria 13 December 2019. Collection method: clinical testing. Allele origin: germline.
Comment: This variant was observed in the ICSL laboratory as part of a predisposition screen in an ostensibly healthy population. It had not been previously curated by ICSL or reported in the Human Gene Mutation Database (HGMD: prior to June 1st, 2018), and was therefore a candidate for classification through an automated scoring system. Utilizing variant allele frequency, disease prevalence and penetrance estimates, and inheritance mode, an automated score was calculated to assess if this variant is too frequent to cause the disease. Based on the score and internal cut-off values, a variant classified as benign is not then subjected to further curation. The score for this variant resulted in a classification of benign for this disease.

Athena Diagnostics
Classification: Benign. Last evaluated: 2017-12-12. Review status: criteria provided, single submitter. Criteria: Athena Diagnostics Criteria. Collection method: clinical testing. Allele origin: germline.

GeneDx
Classification: Benign. Last evaluated: 2015-10-27. Review status: criteria provided, single submitter. Criteria: GeneDx Variant Classification (06012015). Collection method: clinical testing. Allele origin: germline. Affected: yes.
Comment: This variant is considered likely benign or benign based on one or more of the following criteria: it is a conservative change, it occurs at a poorly conserved position in the protein, it is predicted to be benign by multiple in silico algorithms, and/or has population frequency not consistent with disease.

Breakthrough Genomics
Classification: Benign. Review status: criteria provided, single submitter. Criteria: ACMG Guidelines, 2015. Collection method: not provided. Allele origin: germline. Inheritance: Autosomal recessive inheritance. Affected: yes.

Molecular Genetics Laboratory, London Health Sciences Centre
Classification: Benign for Charcot-Marie-Tooth disease. Review status: criteria provided, single submitter. Criteria: ACMG Guidelines, 2015. Collection method: clinical testing. Allele origin: germline. Affected: yes.

Dr. Peter K. Rogan Lab, Western University
No classification provided (evidence only). Condition: Clear cell carcinoma of kidney. Review status: no classification provided. Collection method: in vitro. Allele origin: not applicable. Functional consequence: retained intron. Not counted in ClinVar's aggregate classification.

Dr. Peter K. Rogan Lab, Western University
No classification provided (evidence only). Condition: Clear cell carcinoma of kidney. Review status: no classification provided. Collection method: in vitro. Allele origin: not applicable. Functional consequence: retained intron. Not counted in ClinVar's aggregate classification.

Dr. Peter K. Rogan Lab, Western University
No classification provided (evidence only). Condition: Lung cancer. Review status: no classification provided. Collection method: in vitro. Allele origin: not applicable. Functional consequence: retained intron. Not counted in ClinVar's aggregate classification.

Dr. Peter K. Rogan Lab, Western University
No classification provided (evidence only). Condition: Lung cancer. Review status: no classification provided. Collection method: in vitro. Allele origin: not applicable. Functional consequence: retained intron. Not counted in ClinVar's aggregate classification.

Dr. Peter K. Rogan Lab, Western University
No classification provided (evidence only). Condition: Acute myeloid leukemia. Review status: no classification provided. Collection method: in vitro. Allele origin: not applicable. Functional consequence: retained intron. Not counted in ClinVar's aggregate classification.

Dr. Peter K. Rogan Lab, Western University
No classification provided (evidence only). Condition: Acute myeloid leukemia. Review status: no classification provided. Collection method: in vitro. Allele origin: not applicable. Functional consequence: retained intron. Not counted in ClinVar's aggregate classification.

Dr. Peter K. Rogan Lab, Western University
No classification provided (evidence only). Condition: Acute myeloid leukemia. Review status: no classification provided. Collection method: in vitro. Allele origin: not applicable. Functional consequence: retained intron. Not counted in ClinVar's aggregate classification.

Dr. Peter K. Rogan Lab, Western University
No classification provided (evidence only). Condition: Uterine corpus endometrial carcinoma. Review status: no classification provided. Collection method: in vitro. Allele origin: not applicable. Functional consequence: retained intron. Not counted in ClinVar's aggregate classification.

Dr. Peter K. Rogan Lab, Western University
No classification provided (evidence only). Condition: Uterine corpus endometrial carcinoma. Review status: no classification provided. Collection method: in vitro. Allele origin: not applicable. Functional consequence: retained intron. Not counted in ClinVar's aggregate classification.

Dr. Peter K. Rogan Lab, Western University
No classification provided (evidence only). Condition: Cervical cancer. Review status: no classification provided. Collection method: in vitro. Allele origin: not applicable. Functional consequence: retained intron. Not counted in ClinVar's aggregate classification.

Dr. Peter K. Rogan Lab, Western University
No classification provided (evidence only). Condition: Cervical cancer. Review status: no classification provided. Collection method: in vitro. Allele origin: not applicable. Functional consequence: retained intron. Not counted in ClinVar's aggregate classification.

Dr. Peter K. Rogan Lab, Western University
No classification provided (evidence only). Condition: Nonpapillary renal cell carcinoma. Review status: no classification provided. Collection method: in vitro. Allele origin: not applicable. Functional consequence: retained intron. Not counted in ClinVar's aggregate classification.

Dr. Peter K. Rogan Lab, Western University
No classification provided (evidence only). Condition: Nonpapillary renal cell carcinoma. Review status: no classification provided. Collection method: in vitro. Allele origin: not applicable. Functional consequence: retained intron. Not counted in ClinVar's aggregate classification.

Dr. Peter K. Rogan Lab, Western University
No classification provided (evidence only). Condition: Cholangiocarcinoma. Review status: no classification provided. Collection method: in vitro. Allele origin: not applicable. Functional consequence: retained intron. Not counted in ClinVar's aggregate classification.

Dr. Peter K. Rogan Lab, Western University
No classification provided (evidence only). Condition: Ovarian serous cystadenocarcinoma. Review status: no classification provided. Collection method: in vitro. Allele origin: not applicable. Functional consequence: retained intron. Not counted in ClinVar's aggregate classification.

Dr. Peter K. Rogan Lab, Western University
No classification provided (evidence only). Condition: Ovarian serous cystadenocarcinoma. Review status: no classification provided. Collection method: in vitro. Allele origin: not applicable. Functional consequence: retained intron. Not counted in ClinVar's aggregate classification.

Dr. Peter K. Rogan Lab, Western University
No classification provided (evidence only). Condition: Gastric cancer. Review status: no classification provided. Collection method: in vitro. Allele origin: not applicable. Functional consequence: retained intron. Not counted in ClinVar's aggregate classification.

Dr. Peter K. Rogan Lab, Western University
No classification provided (evidence only). Condition: Uterine carcinosarcoma. Review status: no classification provided. Collection method: in vitro. Allele origin: not applicable. Functional consequence: retained intron. Not counted in ClinVar's aggregate classification.

NM_006096.4(NDRG1):c.892-5C>T

Gene: NDRG1 (N-myc downstream regulated 1; minus strand). Cytogenetic location: 8q24.22.
Variant type: single nucleotide variant.
Coding change: c.892-5C>T on transcript NM_006096.4 (MANE Select); 5 bases into the intron before coding-DNA position 892, C replaced by T.
Molecular consequence: intron variant.
Genome position (GRCh38, 1-based): chr8:133,242,079, G>A on the plus strand (C>T on the coding strand, the complement: NDRG1 is on the minus strand). VCF-style: chr8-133242079-G-A. GRCh37 (hg19) VCF-style: chr8-134254322-G-A.
Other names: p.?; c.694-5C>T (NM_001258432.2, NM_001374847.1); c.649-5C>T (NM_001258433.2); c.943-5C>T (NM_001374844.1); c.892-5C>T (NM_001135242.2, NM_001374845.1, NM_001374846.1).
Identifiers: ClinVar variation 362033 (VCV000362033.27), dbSNP rs2233346, ClinGen allele CA4886490.